The following is an entry in ClinVar:

NM_000512.5(GALNS):c.477G>A (p.Trp159Ter)

Gene: GALNS (galactosamine (N-acetyl)-6-sulfatase; minus strand). Cytogenetic location: 16q24.3.
Variant type: single nucleotide variant.
Coding change: c.477G>A on transcript NM_000512.5 (MANE Select); coding-DNA position 477, G replaced by A.
Protein change: p.Trp159Ter; replaces tryptophan 159 with a stop codon.
Molecular consequence: nonsense. On other transcripts: 5 prime UTR variant (1).
Genome position (GRCh38, 1-based): chr16:88,837,711, C>T on the plus strand (G>A on the coding strand, the complement: GALNS is on the minus strand). VCF-style: chr16-88837711-C-T. GRCh37 (hg19) VCF-style: chr16-88904119-C-T.
Other names: c.-79G>A (NM_001323543.2); c.495G>A, p.Trp165Ter (NM_001323544.2); short protein forms W159*, W165*.
Identifiers: ClinVar variation 93179 (VCV000093179.25), dbSNP rs398123439, ClinGen allele CA221058.

ClinVar aggregate classification (germline): Pathogenic. Review status: criteria provided, multiple submitters, no conflicts (2 of 4 stars). 8 submissions from 8 submitters: Pathogenic (8). Last evaluated 2025-11-10.

Conditions:
Mucopolysaccharidosis, MPS-IV-A (MPS4A). Also called: GALACTOSAMINE-6-SULFATASE DEFICIENCY; GALNS DEFICIENCY; mucopolysaccharidosis type 4A; Mucopolysaccharidosis type IV A; MORQUIO A DISEASE; MPS IVA. Identifiers: Orphanet 309297, Orphanet 582, MedGen C0086651, MONDO:0009659, OMIM 253000.

Allele frequency attached by ClinVar (database versions not stated): ExAC 0.00001; gnomAD 0.00001; gnomAD exomes 0.00001 and 0.00002; TOPMed 0.00002.
gnomAD v4.1: 25 of 1,613,912 alleles (0.0015%); highest among the groups gnomAD compares: Admixed American, 0.0033%; no homozygotes.

Submissions (8):

Labcorp Genetics (formerly Invitae), Labcorp
Classification: Pathogenic for Mucopolysaccharidosis, MPS-IV-A. Last evaluated: 2025-11-10. Review status: criteria provided, single submitter. Criteria: Invitae Variant Classification Sherloc (09022015). Collection method: clinical testing. Allele origin: germline.
Comment: This sequence change creates a premature translational stop signal (p.Trp159*) in the GALNS gene. It is expected to result in an absent or disrupted protein product. Loss-of-function variants in GALNS are known to be pathogenic (PMID: 12442278). This variant is present in population databases (rs398123439, gnomAD 0.003%). This premature translational stop signal has been observed in individual(s) with mucopolysaccharidosis IVA (PMID: 23876334). ClinVar contains an entry for this variant (Variation ID: 93179). Algorithms developed to predict the effect of sequence changes on RNA splicing suggest that this variant may disrupt the consensus splice site. For these reasons, this variant has been classified as Pathogenic.

Revvity Omics, Revvity
Classification: Pathogenic for Mucopolysaccharidosis, MPS-IV-A. Last evaluated: 2024-08-12. Review status: criteria provided, single submitter. Criteria: ACMG Guidelines, 2015. Collection method: clinical testing. Allele origin: germline.

3billion
Classification: Pathogenic for Mucopolysaccharidosis, MPS-IV-A. Last evaluated: 2024-06-18. Review status: criteria provided, single submitter. Criteria: ACMG Guidelines, 2015. Collection method: clinical testing. Allele origin: germline. Affected: yes.
Comment: The variant is observed at an extremely low frequency in the gnomAD v4.0.0 dataset (total allele frequency: 0.002%). Predicted Consequence/Location: Stop-gained (nonsense): predicted to result in a loss or disruption of normal protein function through nonsense-mediated decay (NMD) or protein truncation. Multiple pathogenic variants are reported downstream of the variant. The variant has been reported at least twice as pathogenic with clinical assertions and evidence for the classification (ClinVar ID: VCV000093179 /PMID: 23876334). Therefore, this variant is classified as Pathogenic according to the recommendation of ACMG/AMP guideline.

GeneDx
Classification: Pathogenic. Last evaluated: 2024-05-01. Review status: criteria provided, single submitter. Criteria: GeneDx Variant Classification Process June 2021. Collection method: clinical testing. Allele origin: germline. Affected: yes.
Comment: Nonsense variant predicted to result in protein truncation or nonsense mediated decay in a gene for which loss of function is a known mechanism of disease; Not observed at significant frequency in large population cohorts (gnomAD); This variant is associated with the following publications: (PMID: 23876334, 27694994)

Genome-Nilou Lab
Classification: Pathogenic for Mucopolysaccharidosis, MPS-IV-A. Last evaluated: 2021-11-07. Review status: criteria provided, single submitter. Criteria: ACMG Guidelines, 2015. Collection method: clinical testing. Allele origin: germline. Affected: no.

Fulgent Genetics
Classification: Pathogenic for Mucopolysaccharidosis, MPS-IV-A. Last evaluated: 2021-08-06. Review status: criteria provided, single submitter. Criteria: ACMG Guidelines, 2015. Collection method: clinical testing. Allele origin: unknown.

Laboratory of Diagnosis and Therapy of Lysosomal Disorders, University of Padova
Classification: Pathogenic for Mucopolysaccharidosis, MPS-IV-A. Last evaluated: 2021-02-01. Review status: criteria provided, single submitter. Criteria: ACMG Guidelines, 2015. Collection method: research. Allele origin: germline. Affected: yes.
Comment: Nonsense variant (PVS1_very strong); in vivo functional studies supportive of a damaging effect on the gene product (low to null enzymatic activity in homozygotes; PS3_supporting); the prevalence of the variant in affected individuals is significantly increased compared with the prevalence in controls (PS4_strong); very low frequency in gnomAD v2.1.1 (PM2_moderate)

Eurofins Ntd Llc (ga)
Classification: Pathogenic. Last evaluated: 2013-05-14. Review status: criteria provided, single submitter. Criteria: EGL Classification Definitions. Collection method: clinical testing. Allele origin: germline. Observed: 1 variant allele, 1 heterozygote.

Literature cited by the submitters: PubMed 12442278 (cited by Labcorp Genetics (formerly Invitae), Labcorp); PubMed 23876334 (cited by 3 submitters); PubMed 34387910 (cited by Laboratory of Diagnosis and Therapy of Lysosomal Disorders, University of Padova).